The following is an entry in ClinVar:

ClinVar aggregate classification (germline): Uncertain significance. Review status: criteria provided, multiple submitters, no conflicts (2 of 4 stars). 2 submissions from 2 submitters: Uncertain significance (2). Last evaluated 2026-01-27.

Conditions:
Inborn genetic diseases. Identifiers: MedGen C0950123, MeSH D030342.
Xeroderma pigmentosum, group F (XPF). Also called: XERODERMA PIGMENTOSUM, COMPLEMENTATION GROUP F; XERODERMA PIGMENTOSUM VI; XP, GROUP F; ERCC4-Related Xeroderma Pigmentosum; XERODERMA PIGMENTOSUM, TYPE F; Xeroderma pigmentosum, type 6. Identifiers: MedGen C0268140, MONDO:0010215, OMIM 278760.
Fanconi anemia complementation group Q. Identifiers: Orphanet 84, MedGen C3808988, MONDO:0014108, OMIM 615272.
Cockayne syndrome. Identifiers: Orphanet 191, MedGen C0009207, MONDO:0016006.

Allele frequency attached by ClinVar (database versions not stated): gnomAD below 0.00001 and 0.00001; gnomAD exomes below 0.00001; TOPMed below 0.00001.
gnomAD v4.1: 6 of 1,614,026 alleles (0.00037%); highest among the groups gnomAD compares: South Asian, 0.0022%; no homozygotes.

Submissions (2):

Labcorp Genetics (formerly Invitae), Labcorp
Classification: Uncertain significance for Fanconi anemia complementation group Q; Xeroderma pigmentosum, group F; Cockayne syndrome. Last evaluated: 2026-01-27. Review status: criteria provided, single submitter. Criteria: Invitae Variant Classification Sherloc (09022015). Collection method: clinical testing. Allele origin: germline.
Comment: This sequence change replaces alanine, which is neutral and non-polar, with threonine, which is neutral and polar, at codon 874 of the ERCC4 protein (p.Ala874Thr). This variant is not present in population databases (gnomAD no frequency). This variant has not been reported in the literature in individuals affected with ERCC4-related conditions. ClinVar contains an entry for this variant (Variation ID: 950941). Invitae Evidence Modeling of protein sequence and biophysical properties (such as structural, functional, and spatial information, amino acid conservation, physicochemical variation, residue mobility, and thermodynamic stability) indicates that this missense variant is not expected to disrupt ERCC4 protein function with a negative predictive value of 80%. In summary, the available evidence is currently insufficient to determine the role of this variant in disease. Therefore, it has been classified as a Variant of Uncertain Significance.

Ambry Genetics
Classification: Uncertain significance for Inborn genetic diseases. Last evaluated: 2024-10-20. Review status: criteria provided, single submitter. Criteria: Ambry Variant Classification Scheme 2023. Collection method: clinical testing. Allele origin: germline.

NM_005236.3(ERCC4):c.2620G>A (p.Ala874Thr)

Gene: ERCC4 (ERCC excision repair 4, endonuclease catalytic subunit; plus strand). Cytogenetic location: 16p13.12.
Variant type: single nucleotide variant.
Coding change: c.2620G>A on transcript NM_005236.3 (MANE Select); coding-DNA position 2620, G replaced by A.
Protein change: p.Ala874Thr; replaces alanine 874 with threonine.
Molecular consequence: missense variant.
Genome position (GRCh38, 1-based): chr16:13,948,216, G>A. VCF-style: chr16-13948216-G-A. GRCh37 (hg19) VCF-style: chr16-14042073-G-A.
Other names: short protein forms A874T.
Identifiers: ClinVar variation 950941 (VCV000950941.11), dbSNP rs2032561804, ClinGen allele CA394824628.